The following is an entry in ClinVar:

NM_000719.7(CACNA1C):c.3678C>G (p.Phe1226Leu)

Gene: CACNA1C (calcium voltage-gated channel subunit alpha1 C; plus strand). Cytogenetic location: 12p13.33.
Variant type: single nucleotide variant.
Coding change: c.3678C>G on transcript NM_000719.7 (MANE Select); coding-DNA position 3678, C replaced by G.
Protein change: p.Phe1226Leu; replaces phenylalanine 1226 with leucine.
Molecular consequence: missense variant.
Genome position (GRCh38, 1-based): chr12:2,610,660, C>G. VCF-style: chr12-2610660-C-G. GRCh37 (hg19) VCF-style: chr12-2719826-C-G.
Other names: c.3738C>G, p.Phe1246Leu (NM_001129827.2, NM_001129832.2, NM_199460.4); c.3678C>G, p.Phe1226Leu (NM_001129829.2, NM_001129830.3, NM_001129831.2 and 15 more transcripts); c.3669C>G, p.Phe1223Leu (NM_001129844.2); short protein forms F1226L, F1246L, F1223L.
Identifiers: ClinVar variation 411725 (VCV000411725.10), dbSNP rs775309900, ClinGen allele CA6389276.
Genomic context (GRCh38, chr12:2,610,660, plus strand): 5'-CCAGCACCAGTACAAAGTGTGGTACGTGGTCAACTCCACCTACTTCGAGTACCTGATGTT[C>G]GTCCTCATCCTGCTCAACACCATCTGCCTGGCCATGCAGGTCAGTCCCAGGAGGAGCACA-3'
Protein context (NP_000710.5, residues 1216-1236): VNSTYFEYLM[Phe1226Leu]VLILLNTICL

ClinVar aggregate classification (germline): Uncertain significance. Review status: criteria provided, multiple submitters, no conflicts (2 of 4 stars). 2 submissions from 2 submitters: Uncertain significance (2). Last evaluated 2023-11-27.

Conditions:
Long QT syndrome (LQTS). Identifiers: MedGen C0023976, MeSH D008133, MONDO:0002442. Disease mechanism: loss of function. Inheritance: Various modes of inheritance.

Allele frequency attached by ClinVar (database versions not stated): TOPMed 0.00001.
gnomAD v4.1: 4 of 1,614,108 alleles (0.00025%); highest among the groups gnomAD compares: African/African-American, 0.0013%; no homozygotes.

Submissions (2):

Labcorp Genetics (formerly Invitae), Labcorp
Classification: Uncertain significance for Long QT syndrome. Last evaluated: 2023-11-27. Review status: criteria provided, single submitter. Criteria: Invitae Variant Classification Sherloc (09022015). Collection method: clinical testing. Allele origin: germline.
Comment: This sequence change replaces phenylalanine, which is neutral and non-polar, with leucine, which is neutral and non-polar, at codon 1226 of the CACNA1C protein (p.Phe1226Leu). This variant is present in population databases (rs775309900, gnomAD 0.0009%). This variant has not been reported in the literature in individuals affected with CACNA1C-related conditions. ClinVar contains an entry for this variant (Variation ID: 411725). Advanced modeling of protein sequence and biophysical properties (such as structural, functional, and spatial information, amino acid conservation, physicochemical variation, residue mobility, and thermodynamic stability) performed at Invitae indicates that this missense variant is not expected to disrupt CACNA1C protein function with a negative predictive value of 80%. In summary, the available evidence is currently insufficient to determine the role of this variant in disease. Therefore, it has been classified as a Variant of Uncertain Significance.

Stanford Center for Inherited Cardiovascular Disease, Stanford University
Classification: Uncertain significance. Last evaluated: 2017-04-08. Review status: criteria provided, single submitter. Criteria: ACMG Guidelines, 2015. Collection method: provider interpretation. Allele origin: germline.